The following is an entry in ClinVar:

NM_001282225.2(ADA2):c.1184G>A (p.Arg395Lys)

Gene: ADA2 (adenosine deaminase 2; minus strand). Cytogenetic location: 22q11.1.
Variant type: single nucleotide variant.
Coding change: c.1184G>A on transcript NM_001282225.2 (MANE Select); coding-DNA position 1184, G replaced by A.
Protein change: p.Arg395Lys; replaces arginine 395 with lysine.
Molecular consequence: missense variant.
Genome position (GRCh38, 1-based): chr22:17,182,659, C>T on the plus strand (G>A on the coding strand, the complement: ADA2 is on the minus strand). VCF-style: chr22-17182659-C-T. GRCh37 (hg19) VCF-style: chr22-17663549-C-T.
Other names: c.1184G>A, p.Arg395Lys (NM_001282226.2); c.1058G>A, p.Arg353Lys (NM_001282227.2, NM_001282228.2); c.824G>A, p.Arg275Lys (NM_001282229.2); c.461G>A, p.Arg154Lys (NM_177405.3); short protein forms R275K, R154K, R353K, R395K.
Identifiers: ClinVar variation 938974 (VCV000938974.10), dbSNP rs2061986560, ClinGen allele CA410232185.

ClinVar aggregate classification (germline): Uncertain significance (1 of 4 stars; one submission).

Conditions:
Deficiency of adenosine deaminase 2. Also called: Polyarteritis nodosa, childhoood-onset; VASCULITIS, AUTOINFLAMMATION, IMMUNODEFICIENCY, AND HEMATOLOGIC DEFECTS SYNDROME; Adenosine Deaminase 2 Deficiency. Identifiers: Orphanet 404553, MedGen C3887654, MONDO:0014306, OMIM 615688, MONDO:0100317.

Submission:

Labcorp Genetics (formerly Invitae), Labcorp
Classification: Uncertain significance for Deficiency of adenosine deaminase 2. Last evaluated: 2019-10-15. Review status: criteria provided, single submitter. Criteria: Invitae Variant Classification Sherloc (09022015). Collection method: clinical testing. Allele origin: germline.
Comment: This variant is not present in population databases (ExAC no frequency). This variant has not been reported in the literature in individuals with ADA2-related conditions. Algorithms developed to predict the effect of missense changes on protein structure and function output the following: SIFT: "Tolerated"; PolyPhen-2: "Benign"; Align-GVGD: "Class C0". The lysine amino acid residue is found in multiple mammalian species, suggesting that this missense change does not adversely affect protein function. These predictions have not been confirmed by published functional studies and their clinical significance is uncertain. In summary, the available evidence is currently insufficient to determine the role of this variant in disease. Therefore, it has been classified as a Variant of Uncertain Significance. This sequence change replaces arginine with lysine at codon 395 of the ADA2 protein (p.Arg395Lys). The arginine residue is weakly conserved and there is a small physicochemical difference between arginine and lysine.